The following is an entry in ClinVar:

NM_004369.4(COL6A3):c.2435T>C (p.Leu812Pro)

Gene: COL6A3 (collagen type VI alpha 3 chain; minus strand). Cytogenetic location: 2q37.3.
Variant type: single nucleotide variant.
Coding change: c.2435T>C on transcript NM_004369.4 (MANE Select); coding-DNA position 2435, T replaced by C.
Protein change: p.Leu812Pro; replaces leucine 812 with proline.
Molecular consequence: missense variant. On other transcripts: intron variant (1).
Genome position (GRCh38, 1-based): chr2:237,378,698, A>G on the plus strand (T>C on the coding strand, the complement: COL6A3 is on the minus strand). VCF-style: chr2-237378698-A-G. GRCh37 (hg19) VCF-style: chr2-238287341-A-G.
Other names: c.1214T>C, p.Leu405Pro (NM_057164.5); c.1817T>C, p.Leu606Pro (NM_057165.5, NM_057167.4); c.677-1354T>C (NM_057166.5); short protein forms L606P, L812P, L405P.
Identifiers: ClinVar variation 4763920 (VCV004763920.1).

ClinVar aggregate classification (germline): Uncertain significance (1 of 4 stars; one submission).

Conditions:
Bethlem myopathy 1A. Also called: Bethlem myopathy 1; Bethlem Muscular Dystrophy; MYOPATHY, BENIGN CONGENITAL, WITH CONTRACTURES. Identifiers: Orphanet 610, MedGen CN029274, MONDO:0024530, OMIM 158810.

Submission:

Labcorp Genetics (formerly Invitae), Labcorp
Classification: Uncertain significance for Bethlem myopathy 1A. Last evaluated: 2025-12-02. Review status: criteria provided, single submitter. Criteria: Invitae Variant Classification Sherloc (09022015). Collection method: clinical testing. Allele origin: germline.
Comment: This sequence change replaces leucine, which is neutral and non-polar, with proline, which is neutral and non-polar, at codon 812 of the COL6A3 protein (p.Leu812Pro). This variant is not present in population databases (gnomAD no frequency). This variant has not been reported in the literature in individuals affected with COL6A3-related conditions. Invitae Evidence Modeling of protein sequence and biophysical properties (such as structural, functional, and spatial information, amino acid conservation, physicochemical variation, residue mobility, and thermodynamic stability) indicates that this missense variant is not expected to disrupt COL6A3 protein function with a negative predictive value of 95%. In summary, the available evidence is currently insufficient to determine the role of this variant in disease. Therefore, it has been classified as a Variant of Uncertain Significance.